The following is an entry in ClinVar:

NM_003477.3(PDHX):c.1462A>G (p.Lys488Glu)

Gene: PDHX (pyruvate dehydrogenase complex component X; plus strand). Cytogenetic location: 11p13.
Variant type: single nucleotide variant.
Coding change: c.1462A>G on transcript NM_003477.3 (MANE Select); coding-DNA position 1462, A replaced by G.
Protein change: p.Lys488Glu; replaces lysine 488 with glutamic acid.
Molecular consequence: missense variant.
Genome position (GRCh38, 1-based): chr11:34,995,128, A>G. VCF-style: chr11-34995128-A-G. GRCh37 (hg19) VCF-style: chr11-35016675-A-G.
Other names: c.1282A>G, p.Lys428Glu (NM_001135024.2); c.781A>G, p.Lys261Glu (NM_001166158.2); short protein forms K488E, K261E, K428E.
Identifiers: ClinVar variation 3210866 (VCV003210866.3), dbSNP rs145345995, ClinGen allele CA5946204.

ClinVar aggregate classification (germline): Conflicting classifications of pathogenicity. Review status: criteria provided, conflicting classifications (1 of 4 stars). 2 submissions from 2 submitters: Uncertain significance (1); Likely benign (1). Last evaluated 2025-05-12.

Conditions:
Inborn genetic diseases. Identifiers: MedGen C0950123, MeSH D030342.

Allele frequency attached by ClinVar (database versions not stated): ExAC 0.00002; gnomAD 0.00011; gnomAD exomes 0.00001; TOPMed 0.00011; ESP Exome Variant Server 0.00023.
gnomAD v4.1: 23 of 1,613,910 alleles (0.0014%); highest among the groups gnomAD compares: African/African-American, 0.031%; no homozygotes.

Submissions (2):

GeneDx
Classification: Uncertain significance. Last evaluated: 2025-05-12. Review status: criteria provided, single submitter. Criteria: GeneDx Variant Classification Process June 2021. Collection method: clinical testing. Allele origin: germline.
Comment: In silico analysis suggests that this missense variant does not alter protein structure/function; Has not been previously published as pathogenic or benign to our knowledge

Ambry Genetics
Classification: Likely benign for Inborn genetic diseases. Last evaluated: 2023-02-06. Review status: criteria provided, single submitter. Criteria: Ambry Variant Classification Scheme 2023. Collection method: clinical testing. Allele origin: germline.